The following is an entry in ClinVar:

NM_001267550.2(TTN):c.4740G>A (p.Thr1580=)

Genes: TTN (titin; minus strand), LOC101927055 (uncharacterized LOC101927055; plus strand). Cytogenetic location: 2q31.2.
Variant type: single nucleotide variant.
Coding change: c.4740G>A on transcript NM_001267550.2 (MANE Select); coding-DNA position 4740, G replaced by A.
Protein change: p.Thr1580=; no amino-acid change (threonine 1580 retained).
Molecular consequence: synonymous variant. On other transcripts: non-coding transcript variant (1).
Genome position (GRCh38, 1-based): chr2:178,777,223, C>T on the plus strand (G>A on the coding strand, the complement: TTN is on the minus strand). VCF-style: chr2-178777223-C-T. GRCh37 (hg19) VCF-style: chr2-179641950-C-T.
Other names: c.4740G>A, p.Thr1580= (NM_001256850.1, NM_133378.4, NM_133379.5); c.4602G>A, p.Thr1534= (NM_003319.4, NM_133432.3, NM_133437.4).
Identifiers: ClinVar variation 383329 (VCV000383329.14), dbSNP rs765087240, ClinGen allele CA2005275.

ClinVar aggregate classification (germline): Likely benign. Review status: criteria provided, multiple submitters, no conflicts (2 of 4 stars). 3 submissions from 3 submitters: Likely benign (3). Last evaluated 2025-11-25.

Conditions:
Cardiovascular phenotype. Identifiers: MedGen CN230736.
Dilated cardiomyopathy 1G (CMD1G). Identifiers: Orphanet 154, MedGen C1858763, MONDO:0011400, OMIM 604145.
Autosomal recessive limb-girdle muscular dystrophy type 2J (LGMDR10). Also called: Limb-girdle muscular dystrophy, type 2J; MUSCULAR DYSTROPHY, LIMB-GIRDLE, AUTOSOMAL RECESSIVE 10. Identifiers: Orphanet 140922, MedGen C1837342, MONDO:0012127, OMIM 608807.

Allele frequency attached by ClinVar (database versions not stated): ExAC 0.00001; gnomAD 0.00001; gnomAD exomes 0.00001 and 0.00002; TOPMed 0.00001.

Submissions (3):

Labcorp Genetics (formerly Invitae), Labcorp
Classification: Likely benign for Dilated cardiomyopathy 1G; Autosomal recessive limb-girdle muscular dystrophy type 2J. Last evaluated: 2025-11-25. Review status: criteria provided, single submitter. Criteria: Invitae Variant Classification Sherloc (09022015). Collection method: clinical testing. Allele origin: germline.

Ambry Genetics
Classification: Likely benign for Cardiovascular phenotype. Last evaluated: 2019-07-15. Review status: criteria provided, single submitter. Criteria: Ambry Variant Classification Scheme 2023. Collection method: clinical testing. Allele origin: germline.

GeneDx
Classification: Likely benign. Last evaluated: 2016-02-09. Review status: criteria provided, single submitter. Criteria: GeneDx Variant Classification (06012015). Collection method: clinical testing. Allele origin: germline. Affected: yes.
Comment: This variant is considered likely benign or benign based on one or more of the following criteria: it is a conservative change, it occurs at a poorly conserved position in the protein, it is predicted to be benign by multiple in silico algorithms, and/or has population frequency not consistent with disease.